The following is an entry in ClinVar:

NC_000019.10:g.(?_10984121)_(11062282_?)del

Genes: SMARCA4 (SWI/SNF related BAF chromatin remodeling complex subunit ATPase 4; plus strand), LOC130063555 (ATAC-STARR-seq lymphoblastoid active region 14005; plus strand), LOC130063554 (ATAC-STARR-seq lymphoblastoid active region 14004; plus strand), LOC130063552 (ATAC-STARR-seq lymphoblastoid active region 14002; plus strand), LOC130063553 (ATAC-STARR-seq lymphoblastoid active region 14003; plus strand). Cytogenetic location: 19p13.2.
Variant type: Deletion.
Identifiers: ClinVar variation 417442 (VCV000417442.1).

ClinVar aggregate classification (germline): Pathogenic (1 of 4 stars; one submission).

Conditions:
Rhabdoid tumor predisposition syndrome 2 (RTPS2). Identifiers: Orphanet 231108, Orphanet 69077, MedGen C2750074, MONDO:0013224, OMIM 613325.

Submission:

Labcorp Genetics (formerly Invitae), Labcorp
Classification: Pathogenic for Rhabdoid tumor predisposition syndrome 2. Last evaluated: 2016-10-24. Review status: criteria provided, single submitter. Criteria: Invitae Variant Classification Sherloc (09022015). Collection method: clinical testing. Allele origin: germline.
Comment: A gross deletion of the genomic region encompassing the full coding sequence of the SMARCA4 gene has been identified. The boundaries of this event are unknown as the deletion extends beyond the assayed region for this gene and therefore may encompass additional genes. While this particular variant has not been reported in the literature, truncating variants in SMARCA4 are known to be pathogenic (PMID: 24658001, 24658002). For these reasons, this variant has been classified as Pathogenic.